The following is an entry in ClinVar:

ClinVar aggregate classification (germline): Uncertain significance (1 of 4 stars; one submission).

Submission:

Labcorp Genetics (formerly Invitae), Labcorp
Classification: Uncertain significance. Last evaluated: 2021-09-25. Review status: criteria provided, single submitter. Criteria: Invitae Variant Classification Sherloc (09022015). Collection method: clinical testing. Allele origin: germline.
Comment: Algorithms developed to predict the effect of missense changes on protein structure and function are either unavailable or do not agree on the potential impact of this missense change (SIFT: "Deleterious"; PolyPhen-2: "Benign"; Align-GVGD: "Class C0"). This variant has not been reported in the literature in individuals affected with CTNNA1-related conditions. This variant is not present in population databases (ExAC no frequency). This sequence change replaces lysine with isoleucine at codon 78 of the CTNNA1 protein (p.Lys78Ile). The lysine residue is highly conserved and there is a moderate physicochemical difference between lysine and isoleucine. In summary, the available evidence is currently insufficient to determine the role of this variant in disease. Therefore, it has been classified as a Variant of Uncertain Significance.

NM_001903.5(CTNNA1):c.233A>T (p.Lys78Ile)

Gene: CTNNA1 (catenin alpha 1; plus strand). Cytogenetic location: 5q31.2.
Variant type: single nucleotide variant.
Coding change: c.233A>T on transcript NM_001903.5 (MANE Select); coding-DNA position 233, A replaced by T.
Protein change: p.Lys78Ile; replaces lysine 78 with isoleucine.
Molecular consequence: missense variant. On other transcripts: intron variant (2).
Genome position (GRCh38, 1-based): chr5:138,783,304, A>T. VCF-style: chr5-138783304-A-T. GRCh37 (hg19) VCF-style: chr5-138118993-A-T.
Other names: c.233A>T, p.Lys78Ile (NM_001290307.3, NM_001323982.2, NM_001323983.1 and 3 more transcripts); c.-6+32A>T (NM_001290310.3); c.-9+1275A>T (NM_001290309.3); short protein forms K78I.
Identifiers: ClinVar variation 1435357 (VCV001435357.6), dbSNP rs1580984502, ClinGen allele CA361477552.
Genomic context (GRCh38, chr5:138,783,304, plus strand): 5'-CCCATGTTTTGGCTGCATCTGTTGAACAAGCAACTGAGAATTTCTTGGAGAAGGGGGATA[A>T]AATTGCGAAGGAGAGCCAGTTTCTCAAGGAGGAGCTTGTGGCTGCTGTAGAAGATGTTCG-3'
Protein context (NP_001894.2, residues 68-88): ATENFLEKGD[Lys78Ile]IAKESQFLKE